The following is an entry in ClinVar:

ClinVar aggregate classification (germline): Likely benign. Review status: criteria provided, multiple submitters, no conflicts (2 of 4 stars). 3 submissions from 3 submitters: Likely benign (2). 1 of the submissions does not count toward it. Last evaluated 2025-08-22.

Conditions:
IGF1R-related disorder. Also called: IGF1R-related condition.

Allele frequency attached by ClinVar (database versions not stated): ESP Exome Variant Server 0.00015; gnomAD 0.00017 and 0.00024; ExAC 0.00018; TOPMed 0.00019; 1000 Genomes Project 0.00040; 1000 Genomes Project 30x 0.00047.
gnomAD v4.1: 537 of 1,600,968 alleles (0.034%); highest among the groups gnomAD compares: South Asian, 0.059%; no homozygotes.

Submissions (3):

Labcorp Genetics (formerly Invitae), Labcorp
Classification: Likely benign. Last evaluated: 2025-08-22. Review status: criteria provided, single submitter. Criteria: Invitae Variant Classification Sherloc (09022015). Collection method: clinical testing. Allele origin: germline.

CeGaT Center for Human Genetics Tuebingen
Classification: Likely benign. Last evaluated: 2025-02-01. Review status: criteria provided, single submitter. Criteria: CeGaT Center For Human Genetics Tuebingen Variant Classification Criteria Version 2. Collection method: clinical testing. Allele origin: germline. Affected: yes. Observed: 1 variant allele.
Comment: IGF1R: BP4, BP7

PreventionGenetics, part of Exact Sciences
Classification: Likely benign for IGF1R-related condition. Last evaluated: 2019-08-01. Review status: no assertion criteria provided. Collection method: clinical testing. Allele origin: germline. Not counted in ClinVar's aggregate classification.
Comment: This variant is classified as likely benign based on ACMG/AMP sequence variant interpretation guidelines (Richards et al. 2015 PMID: 25741868, with internal and published modifications).

NM_000875.5(IGF1R):c.942C>T (p.Asn314=)

Gene: IGF1R (insulin like growth factor 1 receptor; plus strand). Cytogenetic location: 15q26.3.
Variant type: single nucleotide variant.
Coding change: c.942C>T on transcript NM_000875.5 (MANE Select); coding-DNA position 942, C replaced by T.
Protein change: p.Asn314=; no amino-acid change (asparagine 314 retained).
Molecular consequence: synonymous variant.
Genome position (GRCh38, 1-based): chr15:98,891,626, C>T. VCF-style: chr15-98891626-C-T. GRCh37 (hg19) VCF-style: chr15-99434855-C-T.
Other names: c.942C>T, p.Asn314= (NM_001291858.2).
Identifiers: ClinVar variation 773301 (VCV000773301.24), dbSNP rs55954954, ClinGen allele CA7751949.
Genomic context (GRCh38, chr15:98,891,626, plus strand): 5'-GGGGTTTGTGATCCACGACGGCGAGTGCATGCAGGAGTGCCCCTCGGGCTTCATCCGCAA[C>T]GGCAGCCAGAGGTCAGTCGCGGCCACACGTGTGGTCACTACCCGCCCCACCTCACCCGCC-3'
Protein context (NP_000866.1, residues 304-324): MQECPSGFIR[Asn314=]GSQSMYCIPC